The following is an entry in ClinVar:

NM_000038.6(APC):c.423-3del

Gene: APC (APC regulator of Wnt signaling pathway; plus strand). Cytogenetic location: 5q22.2.
Variant type: Deletion.
Coding change: c.423-3del on transcript NM_000038.6 (MANE Select); 3 bases into the intron before coding-DNA position 423, one base deleted (T; older notation c.423-3delT).
Molecular consequence: intron variant.
Genome position (GRCh38, 1-based): chr5:112,775,626, T deleted. VCF-style (leftmost placement, unchanged base first): chr5-112775625-AT-A. GRCh37 (hg19) VCF-style: chr5-112111322-AT-A.
Other names: c.-613-3del (NM_001407470.1, NM_001407472.1, NM_001354906.2 and 1 more transcripts); c.423-3del (NM_001407447.1, NM_001354895.2, NM_001407456.1 and 16 more transcripts); c.453-3del (NM_001407446.1, NM_001354897.2, NM_001354902.2 and 1 more transcripts); c.246-3del (NM_001407453.1, NM_001354900.2, NM_001354901.2 and 1 more transcripts); c.348-3del (NM_001407451.1, NM_001354898.2, NM_001354904.2).
Identifiers: ClinVar variation 2734753 (VCV002734753.3), dbSNP rs2532410099, ClinGen allele CA2578379623.

ClinVar aggregate classification (germline): Uncertain significance (1 of 4 stars; one submission).

Conditions:
Familial adenomatous polyposis 1 (FAP1). Also called: POLYPOSIS, ADENOMATOUS INTESTINAL; FAMILIAL ADENOMATOUS POLYPOSIS 1, ATTENUATED. Identifiers: MedGen C2713442, MONDO:0021056, OMIM 175100. Disease mechanism: loss of function.

Allele frequency attached by ClinVar (database versions not stated): gnomAD exomes 0.00001.

Submission:

Labcorp Genetics (formerly Invitae), Labcorp
Classification: Uncertain significance for Familial adenomatous polyposis 1. Last evaluated: 2026-01-06. Review status: criteria provided, single submitter. Criteria: Invitae Variant Classification Sherloc (09022015). Collection method: clinical testing. Allele origin: germline.
Comment: This sequence change falls in intron 4 of the APC gene. It does not directly change the encoded amino acid sequence of the APC protein. RNA analysis indicates that this variant induces altered splicing and may result in an absent or altered protein product. This variant is not present in population databases (gnomAD no frequency). This variant has been observed in individual(s) with clinical features of APC-related conditions (PMID: 23159591; internal data). ClinVar contains an entry for this variant (Variation ID: 2734753). Variants that disrupt the consensus splice site are a relatively common cause of aberrant splicing (PMID: 17576681, 9536098). Studies have shown that this variant results in skipping of exon 5, and produces a non-functional protein and/or introduces a premature termination codon (internal data). In summary, the available evidence is currently insufficient to determine the role of this variant in disease. Therefore, it has been classified as a Variant of Uncertain Significance.

Literature cited by the submitters: PubMed 23159591; PubMed 17576681; PubMed 9536098.